The following is an entry in ClinVar:

ClinVar aggregate classification (germline): Likely pathogenic (1 of 4 stars; one submission).

Conditions:
Leri-Weill dyschondrosteosis (LWD). Also called: DYSCHONDROSTEOSIS; Leri-Weill Dyschondrosteosis (LWD); Léri-Weill dyschondrosteosis. Identifiers: Orphanet 240, MedGen C0265309, MONDO:0007481, OMIM 127300.
Langer mesomelic dysplasia syndrome (LMD). Also called: DYSCHONDROSTEOSIS, HOMOZYGOUS; Langer mesomelic dysplasia. Identifiers: Orphanet 2632, MedGen C0432230, MONDO:0009588, OMIM 249700.

Submission:

Molecular Genetics Department, Kulakov National Medical Research Center for Obstetrics, Gynecology and Perinatology
Classification: Likely pathogenic for Langer mesomelic dysplasia syndrome; Leri-Weill dyschondrosteosis. Review status: criteria provided, single submitter. Criteria: ACMG Guidelines, 2015. Collection method: clinical testing. Allele origin: germline. Affected: yes.
Comment: A previously undescribed nucleotide variant creates a frameshift p.His140LeufsTer52 in the SHOX gene. Loss-of-function variants are reported in patients with Langer mesomelic dysplasia, 24970, Leri-Weill dyschondrosteosis, 127300. The variant is not present in population database (gnomAD no frequency). In summary, the currently available evidence indicates that the variant is pathogenic, but additional data are needed to prove that conclusively. Therefore, this variant has been classified as likely pathogenic.

NM_000451.4(SHOX):c.419del (p.His140fs)

Genes: SHOX (SHOX homeobox; plus strand), LOC107652445 (meiotic recombination hotspot SHOX; plus strand). Cytogenetic location: Yp11.2.
Variant type: Deletion.
Coding change: c.419del on transcript NM_000451.4 (MANE Select); coding-DNA position 419, one base deleted (A; older notation c.419delA).
Protein change: p.His140fs; shifts the reading frame from histidine 140.
Molecular consequence: frameshift variant.
Genome position (GRCh38, 1-based): chrX:634,759, A deleted. VCF-style (leftmost placement, unchanged base first): chrX-634758-CA-C. GRCh37 (hg19) VCF-style: chrX-595493-CA-C.
Other names: c.419del, p.His140fs (NM_006883.2); short protein forms H140fs.
Identifiers: ClinVar variation 3062248 (VCV003062248.1), dbSNP rs2522102022, ClinGen allele CA2740092009.